The following is an entry in ClinVar:

NM_001100913.3(PACS2):c.1416C>T (p.Ile472=)

Gene: PACS2 (phosphofurin acidic cluster sorting protein 2; plus strand). Cytogenetic location: 14q32.33.
Variant type: single nucleotide variant.
Coding change: c.1416C>T on transcript NM_001100913.3 (MANE Select); coding-DNA position 1416, C replaced by T.
Protein change: p.Ile472=; no amino-acid change (isoleucine 472 retained).
Molecular consequence: synonymous variant.
Genome position (GRCh38, 1-based): chr14:105,382,479, C>T. VCF-style: chr14-105382479-C-T. GRCh37 (hg19) VCF-style: chr14-105848816-C-T.
Other names: c.1179C>T, p.Ile393= (NM_001243127.3); c.1404C>T, p.Ile468= (NM_015197.4).
Identifiers: ClinVar variation 3026881 (VCV003026881.22), dbSNP rs1373882825, ClinGen allele CA488204549.

ClinVar aggregate classification (germline): Likely benign (1 of 4 stars; one submission).

gnomAD v4.1: 21 of 1,591,526 alleles (0.0013%); highest among the groups gnomAD compares: Non-Finnish European, 0.0018%; no homozygotes.

Submission:

CeGaT Center for Human Genetics Tuebingen
Classification: Likely benign. Last evaluated: 2023-12-01. Review status: criteria provided, single submitter. Criteria: CeGaT Center For Human Genetics Tuebingen Variant Classification Criteria Version 2. Collection method: clinical testing. Allele origin: germline. Affected: yes. Observed: 1 variant allele.
Comment: PACS2: BP4, BP7